The following is an entry in ClinVar:

NM_003482.4(KMT2D):c.14097C>A (p.Ser4699Arg)

Gene: KMT2D (lysine methyltransferase 2D; minus strand). Cytogenetic location: 12q13.12.
Variant type: single nucleotide variant.
Coding change: c.14097C>A on transcript NM_003482.4 (MANE Select); coding-DNA position 14097, C replaced by A.
Protein change: p.Ser4699Arg; replaces serine 4699 with arginine.
Molecular consequence: missense variant.
Genome position (GRCh38, 1-based): chr12:49,029,215, G>T on the plus strand (C>A on the coding strand, the complement: KMT2D is on the minus strand). VCF-style: chr12-49029215-G-T. GRCh37 (hg19) VCF-style: chr12-49422998-G-T.
Other names: short protein forms S4699R.
Identifiers: ClinVar variation 2766100 (VCV002766100.3), dbSNP rs755065726, ClinGen allele CA384697784.

ClinVar aggregate classification (germline): Uncertain significance (1 of 4 stars; one submission).

Conditions:
Kabuki syndrome. Also called: NIIKAWA-KUROKI SYNDROME; Kabuki make-up syndrome. Identifiers: Orphanet 2322, MedGen C0796004, MONDO:0016512.

Submission:

Labcorp Genetics (formerly Invitae), Labcorp
Classification: Uncertain significance for Kabuki syndrome. Last evaluated: 2023-10-23. Review status: criteria provided, single submitter. Criteria: Invitae Variant Classification Sherloc (09022015). Collection method: clinical testing. Allele origin: germline.
Comment: This sequence change replaces serine, which is neutral and polar, with arginine, which is basic and polar, at codon 4699 of the KMT2D protein (p.Ser4699Arg). This variant is not present in population databases (gnomAD no frequency). This variant has not been reported in the literature in individuals affected with KMT2D-related conditions. Advanced modeling of protein sequence and biophysical properties (such as structural, functional, and spatial information, amino acid conservation, physicochemical variation, residue mobility, and thermodynamic stability) performed at Invitae indicates that this missense variant is not expected to disrupt KMT2D protein function. In summary, the available evidence is currently insufficient to determine the role of this variant in disease. Therefore, it has been classified as a Variant of Uncertain Significance.